The following is an entry in ClinVar:

NM_006567.5(FARS2):c.495C>T (p.His165=)

Genes: FARS2 (phenylalanyl-tRNA synthetase 2, mitochondrial; plus strand), LOC126859565 (CDK7 strongly-dependent group 2 enhancer GRCh37_chr6:5368745-5369944; plus strand). Cytogenetic location: 6p25.1.
Variant type: single nucleotide variant.
Coding change: c.495C>T on transcript NM_006567.5 (MANE Select); coding-DNA position 495, C replaced by T.
Protein change: p.His165=; no amino-acid change (histidine 165 retained).
Molecular consequence: synonymous variant. On other transcripts: intron variant (2).
Genome position (GRCh38, 1-based): chr6:5,369,065, C>T. VCF-style: chr6-5369065-C-T. GRCh37 (hg19) VCF-style: chr6-5369298-C-T.
Other names: c.495C>T, p.His165= (NM_001318872.2, NM_001374875.1, NM_001374876.1 and 5 more transcripts); c.-340-27568C>T (NM_001375260.1); c.-84-35477C>T (NM_001375259.1).
Identifiers: ClinVar variation 1080574 (VCV001080574.11), dbSNP rs761573935, ClinGen allele CA3623657.
Genomic context (GRCh38, chr6:5,369,065, plus strand): 5'-CCTGAATCGGACTCACATGCTGAGAGCGCACACGTCTGCACACCAGTGGGACTTGCTGCA[C>T]GCGGGACTGGATGCCTTCCTGGTGGTGGGTGATGTCTACAGGCGTGACCAGATCGACTCC-3'
Protein context (NP_006558.1, residues 155-175): HTSAHQWDLL[His165=]AGLDAFLVVG

ClinVar aggregate classification (germline): Likely benign. Review status: criteria provided, multiple submitters, no conflicts (2 of 4 stars). 2 submissions from 2 submitters: Likely benign (2). Last evaluated 2025-10-01.

Conditions:
Combined oxidative phosphorylation defect type 14. Also called: Combined oxidative phosphorylation deficiency 14. Identifiers: Orphanet 319519, MedGen C4755312, MONDO:0013986, OMIM 614946.

Allele frequency attached by ClinVar (database versions not stated): gnomAD 0.00002; gnomAD exomes 0.00002 and 0.00005; TOPMed 0.00003; ExAC 0.00007.
gnomAD v4.1: 30 of 1,613,932 alleles (0.0019%); highest among the groups gnomAD compares: South Asian, 0.0088%; no homozygotes.

Submissions (2):

CeGaT Center for Human Genetics Tuebingen
Classification: Likely benign. Last evaluated: 2025-10-01. Review status: criteria provided, single submitter. Criteria: CeGaT Center For Human Genetics Tuebingen Variant Classification Criteria Version 2. Collection method: clinical testing. Allele origin: germline. Affected: yes. Observed: 1 variant allele.
Comment: FARS2: BP4, BP7

Labcorp Genetics (formerly Invitae), Labcorp
Classification: Likely benign for Combined oxidative phosphorylation defect type 14. Last evaluated: 2024-12-24. Review status: criteria provided, single submitter. Criteria: Invitae Variant Classification Sherloc (09022015). Collection method: clinical testing. Allele origin: germline.